The following is an entry in ClinVar:

ClinVar aggregate classification (germline): Uncertain significance (1 of 4 stars; one submission).

Conditions:
Hereditary cancer-predisposing syndrome. Also called: Tumor predisposition; Hereditary Cancer Syndrome; Hereditary neoplastic syndrome; Neoplastic Syndromes, Hereditary. Identifiers: Orphanet 140162, MedGen C0027672, MeSH D009386, MONDO:0015356.

Allele frequency attached by ClinVar (database versions not stated): gnomAD exomes below 0.00001.

Submission:

Ambry Genetics
Classification: Uncertain significance for Hereditary cancer-predisposing syndrome. Last evaluated: 2023-07-26. Review status: criteria provided, single submitter. Criteria: Ambry Variant Classification Scheme 2023. Collection method: clinical testing. Allele origin: germline.
Comment: The p.T95I variant (also known as c.284C>T), located in coding exon 3 of the BMPR1A gene, results from a C to T substitution at nucleotide position 284. The threonine at codon 95 is replaced by isoleucine, an amino acid with similar properties. This amino acid position is well conserved in available vertebrate species. In addition, this alteration is predicted to be tolerated by in silico analysis. Since supporting evidence is limited at this time, the clinical significance of this alteration remains unclear.

NM_004329.3(BMPR1A):c.284C>T (p.Thr95Ile)

Gene: BMPR1A (bone morphogenetic protein receptor type 1A; plus strand). Cytogenetic location: 10q23.2.
Variant type: single nucleotide variant.
Coding change: c.284C>T on transcript NM_004329.3 (MANE Select); coding-DNA position 284, C replaced by T.
Protein change: p.Thr95Ile; replaces threonine 95 with isoleucine.
Molecular consequence: missense variant. On other transcripts: non-coding transcript variant (3).
Genome position (GRCh38, 1-based): chr10:86,892,180, C>T. VCF-style: chr10-86892180-C-T. GRCh37 (hg19) VCF-style: chr10-88651937-C-T.
Other names: c.284C>T, p.Thr95Ile (NM_001406559.1, NM_001406560.1, NM_001406561.1 and 23 more transcripts); c.200C>T, p.Thr67Ile (NM_001406584.1, NM_001406585.1, NM_001406586.1 and 2 more transcripts); short protein forms T67I, T95I.
Identifiers: ClinVar variation 2626630 (VCV002626630.2), dbSNP rs2539446048, ClinGen allele CA377448116.